The following is an entry in ClinVar:

ClinVar aggregate classification (germline): Conflicting classifications of pathogenicity. Review status: criteria provided, conflicting classifications (1 of 4 stars). 2 submissions from 2 submitters: Uncertain significance (1); Likely benign (1). Last evaluated 2026-01-16.

Conditions:
Cardiovascular phenotype. Identifiers: MedGen CN230736.
Brugada syndrome. Also called: Sudden unexplained nocturnal death syndrome; Sudden unexpected nocturnal death syndrome; Sudden Unexplained Death Syndrome; Sudden Unexplained Nocturnal Death Syndrome (SUNDS). Identifiers: Orphanet 130, MedGen C1142166, MONDO:0015263.

Allele frequency attached by ClinVar (database versions not stated): ExAC 0.00003; gnomAD 0.00005; ESP Exome Variant Server 0.00015; TOPMed 0.00004; gnomAD exomes below 0.00001.
gnomAD v4.1: 11 of 1,547,132 alleles (0.00071%); highest among the groups gnomAD compares: African/African-American, 0.015%; no homozygotes.

Submissions (2):

Labcorp Genetics (formerly Invitae), Labcorp
Classification: Uncertain significance for Brugada syndrome. Last evaluated: 2026-01-16. Review status: criteria provided, single submitter. Criteria: Invitae Variant Classification Sherloc (09022015). Collection method: clinical testing. Allele origin: germline.
Comment: This sequence change replaces glycine, which is neutral and non-polar, with alanine, which is neutral and non-polar, at codon 562 of the CACNA2D1 protein (p.Gly562Ala). This variant is present in population databases (rs371500586, gnomAD 0.03%). This variant has not been reported in the literature in individuals affected with CACNA2D1-related conditions. ClinVar contains an entry for this variant (Variation ID: 2450734). An algorithm developed to predict the effect of missense changes on protein structure and function (PolyPhen-2) suggests that this variant is likely to be disruptive. In summary, the available evidence is currently insufficient to determine the role of this variant in disease. Therefore, it has been classified as a Variant of Uncertain Significance.

Ambry Genetics
Classification: Likely benign for Cardiovascular phenotype. Last evaluated: 2023-02-12. Review status: criteria provided, single submitter. Criteria: Ambry Variant Classification Scheme 2023. Collection method: clinical testing. Allele origin: germline.

NM_000722.4(CACNA2D1):c.1685G>C (p.Gly562Ala)

Gene: CACNA2D1 (calcium voltage-gated channel auxiliary subunit alpha2delta 1; minus strand). Cytogenetic location: 7q21.11.
Variant type: single nucleotide variant.
Coding change: c.1685G>C on transcript NM_000722.4 (MANE Select); coding-DNA position 1685, G replaced by C.
Protein change: p.Gly562Ala; replaces glycine 562 with alanine.
Molecular consequence: missense variant.
Genome position (GRCh38, 1-based): chr7:81,994,917, C>G on the plus strand (G>C on the coding strand, the complement: CACNA2D1 is on the minus strand). VCF-style: chr7-81994917-C-G. GRCh37 (hg19) VCF-style: chr7-81624233-C-G.
Other names: c.1742G>C, p.Gly581Ala (NM_001366867.1); short protein forms G562A, G581A.
Identifiers: ClinVar variation 2450734 (VCV002450734.4), dbSNP rs371500586, ClinGen allele CA4317942.